The following is an entry in ClinVar:

NM_006516.4(SLC2A1):c.679+4C>T

Gene: SLC2A1 (solute carrier family 2 member 1; minus strand). Cytogenetic location: 1p34.2.
Variant type: single nucleotide variant.
Coding change: c.679+4C>T on transcript NM_006516.4 (MANE Select); 4 bases into the intron after coding-DNA position 679, C replaced by T.
Molecular consequence: intron variant.
Genome position (GRCh38, 1-based): chr1:42,929,869, G>A on the plus strand (C>T on the coding strand, the complement: SLC2A1 is on the minus strand). VCF-style: chr1-42929869-G-A. GRCh37 (hg19) VCF-style: chr1-43395540-G-A.
Identifiers: ClinVar variation 139160 (VCV000139160.52), dbSNP rs139492241, ClinGen allele CA019252.

ClinVar aggregate classification (germline): Conflicting classifications of pathogenicity. Review status: criteria provided, conflicting classifications (1 of 4 stars). 10 submissions from 10 submitters: Uncertain significance (2); Benign (3); Likely benign (2). 3 of the submissions do not count toward it. Last evaluated 2026-06-15.

Conditions:
SLC2A1-related disorder. Also called: SLC2A1-related condition; SLC2A1-related disorders.
Inborn genetic diseases. Identifiers: MedGen C0950123, MeSH D030342.
GLUT1 deficiency syndrome 1, autosomal recessive. Identifiers: MedGen C3149117.

Allele frequency attached by ClinVar (database versions not stated): 1000 Genomes Project 0.00020; 1000 Genomes Project 30x 0.00031; ESP Exome Variant Server 0.00054; TOPMed 0.00073.
gnomAD v4.1: 242 of 1,614,152 alleles (0.015%); highest among the groups gnomAD compares: African/African-American, 0.21%; 1 homozygote.

Submissions (10):

Women's Health and Genetics/Laboratory Corporation of America, LabCorp
Classification: Benign. Last evaluated: 2026-06-15. Review status: criteria provided, single submitter. Criteria: LabCorp Variant Classification Summary - May 2015. Collection method: clinical testing. Allele origin: germline.
Comment: Variant summary: SLC2A1 c.679+4C>T alters a nucleotide located close to a canonical splice site and therefore could affect mRNA splicing, leading to a significantly altered protein sequence. Computational tools predict a significant impact on normal splicing: Three predict the variant weakens a 5' donor site. One predict the variant no significant impact on splicing. However, these predictions have yet to be confirmed by functional studies. The variant allele was found at a frequency of 0.00017 in 251442 control chromosomes, predominantly at a frequency of 0.0024 within the African or African-American subpopulation in the gnomAD database. The observed variant frequency within African or African-American control individuals in the gnomAD database exceeds the estimated maximal expected allele frequency for disease-causing variants in SLC2A1. To our knowledge, no occurrence of c.679+4C>T in individuals affected with SLC2A1-related conditions and no experimental evidence demonstrating its impact on protein function have been reported. ClinVar contains an entry for this variant (Variation ID: 139160). Based on the evidence outlined above, the variant was classified as benign.

CeGaT Center for Human Genetics Tuebingen
Classification: Likely benign. Last evaluated: 2026-06-01. Review status: criteria provided, single submitter. Criteria: CeGaT Center For Human Genetics Tuebingen Variant Classification Criteria Version 2. Collection method: clinical testing. Allele origin: germline. Affected: yes. Observed: 2 variant alleles.
Comment: SLC2A1: BP4

Labcorp Genetics (formerly Invitae), Labcorp
Classification: Likely benign for GLUT1 deficiency syndrome 1, autosomal recessive. Last evaluated: 2026-01-21. Review status: criteria provided, single submitter. Criteria: Invitae Variant Classification Sherloc (09022015). Collection method: clinical testing. Allele origin: germline.

Blueprint Genetics
Classification: Uncertain significance. Last evaluated: 2024-10-23. Review status: criteria provided, single submitter. Criteria: ACMG Guidelines, 2015. Collection method: clinical testing. Allele origin: germline.

Ambry Genetics
Classification: Benign for Inborn genetic diseases. Last evaluated: 2019-03-21. Review status: criteria provided, single submitter. Criteria: Ambry Variant Classification Scheme 2023. Collection method: clinical testing. Allele origin: germline.

Eurofins Ntd Llc (ga)
Classification: Uncertain significance. Last evaluated: 2015-01-26. Review status: criteria provided, single submitter. Criteria: EGL Classification Definitions 2015. Collection method: clinical testing. Allele origin: germline. Observed: 2 variant alleles, 2 heterozygotes.

GeneDx
Classification: Benign. Last evaluated: 2013-07-24. Review status: criteria provided, single submitter. Criteria: GeneDx Variant Classification (06012015). Collection method: clinical testing. Allele origin: germline. Affected: yes.
Comment: This variant is considered likely benign or benign based on one or more of the following criteria: it is a conservative change, it occurs at a poorly conserved position in the protein, it is predicted to be benign by multiple in silico algorithms, and/or has population frequency not consistent with disease.

PreventionGenetics, part of Exact Sciences
Classification: Likely benign for SLC2A1-related condition. Last evaluated: 2019-05-03. Review status: no assertion criteria provided. Collection method: clinical testing. Allele origin: germline. Not counted in ClinVar's aggregate classification.
Comment: This variant is classified as likely benign based on ACMG/AMP sequence variant interpretation guidelines (Richards et al. 2015 PMID: 25741868, with internal and published modifications).

Clinical Genetics DNA and cytogenetics Diagnostics Lab, Erasmus MC, Erasmus Medical Center
Classification: Likely benign. Review status: no assertion criteria provided. Collection method: clinical testing. Allele origin: germline. Affected: yes. Study: VKGL Data-share Consensus. Not counted in ClinVar's aggregate classification.

Genome Diagnostics Laboratory, University Medical Center Utrecht
Classification: Likely benign. Review status: no assertion criteria provided. Collection method: clinical testing. Allele origin: germline. Affected: yes. Study: VKGL Data-share Consensus. Not counted in ClinVar's aggregate classification.